The following is an entry in ClinVar:

NM_007325.5(GRIA3):c.1007G>C (p.Ser336Thr)

Gene: GRIA3 (glutamate ionotropic receptor AMPA type subunit 3; plus strand). Cytogenetic location: Xq25.
Variant type: single nucleotide variant.
Coding change: c.1007G>C on transcript NM_007325.5 (MANE Select); coding-DNA position 1007, G replaced by C.
Protein change: p.Ser336Thr; replaces serine 336 with threonine.
Molecular consequence: missense variant.
Genome position (GRCh38, 1-based): chrX:123,398,730, G>C. VCF-style: chrX-123398730-G-C. GRCh37 (hg19) VCF-style: chrX-122532581-G-C.
Other names: c.1007G>C, p.Ser336Thr (NM_000828.5); short protein forms S336T.
Identifiers: ClinVar variation 1376848 (VCV001376848.6), dbSNP rs2147381120, ClinGen allele CA414258185.

ClinVar aggregate classification (germline): Uncertain significance (1 of 4 stars; one submission).

Submission:

Labcorp Genetics (formerly Invitae), Labcorp
Classification: Uncertain significance. Last evaluated: 2024-11-11. Review status: criteria provided, single submitter. Criteria: Invitae Variant Classification Sherloc (09022015). Collection method: clinical testing. Allele origin: germline.
Comment: This sequence change replaces serine, which is neutral and polar, with threonine, which is neutral and polar, at codon 336 of the GRIA3 protein (p.Ser336Thr). This variant is not present in population databases (gnomAD no frequency). This variant has not been reported in the literature in individuals affected with GRIA3-related conditions. ClinVar contains an entry for this variant (Variation ID: 1376848). Invitae Evidence Modeling of protein sequence and biophysical properties (such as structural, functional, and spatial information, amino acid conservation, physicochemical variation, residue mobility, and thermodynamic stability) indicates that this missense variant is not expected to disrupt GRIA3 protein function with a negative predictive value of 80%. In summary, the available evidence is currently insufficient to determine the role of this variant in disease. Therefore, it has been classified as a Variant of Uncertain Significance.